The following is an entry in ClinVar:

ClinVar aggregate classification (germline): Pathogenic (1 of 4 stars; one submission).

Submission:

Labcorp Genetics (formerly Invitae), Labcorp
Classification: Pathogenic. Last evaluated: 2022-08-23. Review status: criteria provided, single submitter. Criteria: Invitae Variant Classification Sherloc (09022015). Collection method: clinical testing. Allele origin: germline.
Comment: This sequence change replaces arginine, which is basic and polar, with leucine, which is neutral and non-polar, at codon 386 of the NDUFV1 protein (p.Arg386Leu). This variant is not present in population databases (gnomAD no frequency). This missense change has been observed in individual(s) with clinical features of mitochondrial complex I deficiency (Invitae). In at least one individual the data is consistent with being in trans (on the opposite chromosome) from a pathogenic variant. ClinVar contains an entry for this variant (Variation ID: 1465562). Advanced modeling of protein sequence and biophysical properties (such as structural, functional, and spatial information, amino acid conservation, physicochemical variation, residue mobility, and thermodynamic stability) performed at Invitae indicates that this missense variant is expected to disrupt NDUFV1 protein function. This variant disrupts the p.Arg386 amino acid residue in NDUFV1. Other variant(s) that disrupt this residue have been determined to be pathogenic (PMID: 26024641, 29353736, 29948731). This suggests that this residue is clinically significant, and that variants that disrupt this residue are likely to be disease-causing. For these reasons, this variant has been classified as Pathogenic.

Literature cited by the submitters: PubMed 26024641; PubMed 29353736; PubMed 29948731.

NM_007103.4(NDUFV1):c.1157G>T (p.Arg386Leu)

Genes: NDUFV1 (NADH:ubiquinone oxidoreductase core subunit V1; plus strand), LOC126861242 (CDK7 strongly-dependent group 2 enhancer GRCh37_chr11:67379204-67380403; plus strand). Cytogenetic location: 11q13.2.
Variant type: single nucleotide variant.
Coding change: c.1157G>T on transcript NM_007103.4 (MANE Select); coding-DNA position 1157, G replaced by T.
Protein change: p.Arg386Leu; replaces arginine 386 with leucine.
Molecular consequence: missense variant.
Genome position (GRCh38, 1-based): chr11:67,611,973, G>T. VCF-style: chr11-67611973-G-T. GRCh37 (hg19) VCF-style: chr11-67379444-G-T.
Other names: c.1130G>T, p.Arg377Leu (NM_001166102.2); short protein forms R377L, R386L.
Identifiers: ClinVar variation 1465562 (VCV001465562.8), dbSNP rs536758576, ClinGen allele CA381541917.